The following is an entry in ClinVar:

NM_001127222.2(CACNA1A):c.6434C>T (p.Pro2145Leu)

Gene: CACNA1A (calcium voltage-gated channel subunit alpha1 A; minus strand). Cytogenetic location: 19p13.13.
Variant type: single nucleotide variant.
Coding change: c.6434C>T on transcript NM_001127222.2 (MANE Select); coding-DNA position 6434, C replaced by T.
Protein change: p.Pro2145Leu; replaces proline 2145 with leucine.
Molecular consequence: missense variant.
Genome position (GRCh38, 1-based): chr19:13,209,404, G>A on the plus strand (C>T on the coding strand, the complement: CACNA1A is on the minus strand). VCF-style: chr19-13209404-G-A. GRCh37 (hg19) VCF-style: chr19-13320218-G-A.
Other names: c.6452C>T, p.Pro2151Leu (NM_000068.4, NM_023035.3); c.6437C>T, p.Pro2146Leu (NM_001127221.2); c.6443C>T, p.Pro2148Leu (NM_001174080.2); short protein forms P2145L, P2146L, P2148L, P2151L.
Identifiers: ClinVar variation 3754142 (VCV003754142.2).

ClinVar aggregate classification (germline): Uncertain significance (1 of 4 stars; one submission).

Conditions:
Episodic ataxia type 2 (EA2). Also called: ATAXIA, EPISODIC, WITH NYSTAGMUS; ATAXIA, FAMILIAL PAROXYSMAL; ACETAZOLAMIDE-RESPONSIVE HEREDITARY PAROXYSMAL CEREBELLAR ATAXIA; CEREBELLAR ATAXIA, PAROXYSMAL, ACETAZOLAMIDE-RESPONSIVE; CEREBELLOPATHY, HEREDITARY PAROXYSMAL; EPISODIC ATAXIA, NYSTAGMUS-ASSOCIATED. Identifiers: Orphanet 97, MedGen C1720416, MONDO:0007163, OMIM 108500.
Developmental and epileptic encephalopathy, 42 (DEE42A). Also called: Epileptic encephalopathy, early infantile, 42; DEVELOPMENTAL AND EPILEPTIC ENCEPHALOPATHY 42A; EPILEPTIC ENCEPHALOPATHY, EARLY INFANTILE, 42A. Identifiers: MedGen C4310716, MONDO:0014917, OMIM 617106.

Submission:

Labcorp Genetics (formerly Invitae), Labcorp
Classification: Uncertain significance for Developmental and epileptic encephalopathy, 42; Episodic ataxia type 2. Last evaluated: 2024-03-02. Review status: criteria provided, single submitter. Criteria: Invitae Variant Classification Sherloc (09022015). Collection method: clinical testing. Allele origin: germline.
Comment: This sequence change replaces proline, which is neutral and non-polar, with leucine, which is neutral and non-polar, at codon 2146 of the CACNA1A protein (p.Pro2146Leu). This variant is not present in population databases (gnomAD no frequency). This variant has not been reported in the literature in individuals affected with CACNA1A-related conditions. Advanced modeling of protein sequence and biophysical properties (such as structural, functional, and spatial information, amino acid conservation, physicochemical variation, residue mobility, and thermodynamic stability) performed at Invitae indicates that this missense variant is not expected to disrupt CACNA1A protein function with a negative predictive value of 95%. In summary, the available evidence is currently insufficient to determine the role of this variant in disease. Therefore, it has been classified as a Variant of Uncertain Significance.